The following is an entry in ClinVar:

ClinVar aggregate classification (germline): Uncertain significance (1 of 4 stars; one submission).

Submission:

Labcorp Genetics (formerly Invitae), Labcorp
Classification: Uncertain significance. Last evaluated: 2025-03-11. Review status: criteria provided, single submitter. Criteria: Invitae Variant Classification Sherloc (09022015). Collection method: clinical testing. Allele origin: germline.
Comment: This sequence change replaces arginine, which is basic and polar, with lysine, which is basic and polar, at codon 325 of the FRMD7 protein (p.Arg325Lys). This variant also falls at the last nucleotide of exon 10, which is part of the consensus splice site for this exon. This variant is not present in population databases (gnomAD no frequency). This missense change has been observed in individual(s) with FRDM7-related conditions (PMID: 35705619). An algorithm developed to predict the effect of missense changes on protein structure and function (PolyPhen-2) suggests that this variant is likely to be tolerated. Variants that disrupt the consensus splice site are a relatively common cause of aberrant splicing (PMID: 17576681, 9536098). Algorithms developed to predict the effect of sequence changes on RNA splicing suggest that this variant may disrupt the consensus splice site. In summary, the available evidence is currently insufficient to determine the role of this variant in disease. Therefore, it has been classified as a Variant of Uncertain Significance.

Literature cited by the submitters: PubMed 35705619; PubMed 17576681; PubMed 9536098.

NM_194277.3(FRMD7):c.974G>A (p.Arg325Lys)

Gene: FRMD7 (FERM domain containing 7; minus strand). Cytogenetic location: Xq26.2.
Variant type: single nucleotide variant.
Coding change: c.974G>A on transcript NM_194277.3 (MANE Select); coding-DNA position 974, G replaced by A.
Protein change: p.Arg325Lys; replaces arginine 325 with lysine.
Molecular consequence: missense variant.
Genome position (GRCh38, 1-based): chrX:132,080,198, C>T on the plus strand (G>A on the coding strand, the complement: FRMD7 is on the minus strand). VCF-style: chrX-132080198-C-T. GRCh37 (hg19) VCF-style: chrX-131214226-C-T.
Other names: c.929G>A, p.Arg310Lys (NM_001306193.2); short protein forms R310K, R325K.
Identifiers: ClinVar variation 3724340 (VCV003724340.2).
Genomic context (GRCh38, chrX:132,080,198, plus strand): 5'-CATAGAAATCTCCAAATTCAACATAAAATCAACACGAGCAAGAGAAACAAAATCATGTAC[C>T]TTTCAAATGGCAAGCTCTTCAGCCTCCCTTTTCTCCCATATTCCAAAAGTTGCCTTTGGG-3'
Protein context (NP_919253.1, residues 315-335): KGRLKSLPFE[Arg325Lys]KHYPSQYHER